The following is an entry in ClinVar:

ClinVar aggregate classification (germline): Uncertain significance (1 of 4 stars; one submission).

Conditions:
Inborn genetic diseases. Identifiers: MedGen C0950123, MeSH D030342.

Submission:

Ambry Genetics
Classification: Uncertain significance for Inborn genetic diseases. Last evaluated: 2025-07-30. Review status: criteria provided, single submitter. Criteria: Ambry Variant Classification Scheme 2023. Collection method: clinical testing. Allele origin: germline.
Comment: The c.7C>G (p.R3G) alteration is located in exon 1 (coding exon 1) of the BCL11A gene. This alteration results from a C to G substitution at nucleotide position 7, causing the arginine (R) at amino acid position 3 to be replaced by a glycine (G). This variant was not reported in population-based cohorts in the Genome Aggregation Database (gnomAD). This amino acid position is highly conserved in available vertebrate species. The in silico prediction for this alteration is inconclusive. Based on insufficient or conflicting evidence, the clinical significance of this alteration remains unclear.

NM_022893.4(BCL11A):c.7C>G (p.Arg3Gly)

Gene: BCL11A (BCL11 transcription factor A; minus strand). Cytogenetic location: 2p16.1.
Variant type: single nucleotide variant.
Coding change: c.7C>G on transcript NM_022893.4 (MANE Select); coding-DNA position 7, C replaced by G.
Protein change: p.Arg3Gly; replaces arginine 3 with glycine.
Molecular consequence: missense variant. On other transcripts: 5 prime UTR variant (5).
Genome position (GRCh38, 1-based): chr2:60,553,264, G>C on the plus strand (C>G on the coding strand, the complement: BCL11A is on the minus strand). VCF-style: chr2-60553264-G-C. GRCh37 (hg19) VCF-style: chr2-60780399-G-C.
Other names: c.7C>G, p.Arg3Gly (NM_001363864.1, NM_001365609.1, NM_001405708.1 and 10 more transcripts); c.-419C>G (NM_001405721.1); c.-669C>G (NM_001405725.1, NM_001405726.1, NM_001405731.1); c.-526C>G (NM_001405728.1); short protein forms R3G.
Identifiers: ClinVar variation 4201080 (VCV004201080.1).